The following is an entry in ClinVar:

ClinVar aggregate classification (germline): Benign/Likely benign. Review status: criteria provided, multiple submitters, no conflicts (2 of 4 stars). 2 submissions from 2 submitters: Benign (1); Likely benign (1). Last evaluated 2025-01-30.

Conditions:
Hereditary cancer-predisposing syndrome. Also called: Neoplastic Syndromes, Hereditary; Tumor predisposition; Hereditary Cancer Syndrome; Hereditary neoplastic syndrome. Identifiers: Orphanet 140162, MedGen C0027672, MeSH D009386, MONDO:0015356.
Lynch syndrome 4 (LYNCH4). Also called: Hereditary non-polyposis colorectal cancer, type 4; Colorectal cancer, hereditary nonpolyposis, type 4. Identifiers: Orphanet 144, MedGen C1838333, MONDO:0013699, OMIM 614337. Disease mechanism: loss of function.

Submissions (2):

Myriad Genetics, Inc.
Classification: Benign for Lynch syndrome 4. Last evaluated: 2025-01-30. Review status: criteria provided, single submitter. Criteria: Myriad Autosomal Dominant, Autosomal Recessive and X-Linked Classification Criteria (2023). Collection method: clinical testing. Allele origin: unknown.
Comment: This variant is considered benign. This variant is a silent/synonymous amino acid change and it is not expected to impact splicing.

Ambry Genetics
Classification: Likely benign for Hereditary cancer-predisposing syndrome. Last evaluated: 2022-07-10. Review status: criteria provided, single submitter. Criteria: Ambry Variant Classification Scheme 2023. Collection method: clinical testing. Allele origin: germline.

NM_000535.7(PMS2):c.1227A>G (p.Gly409=)

Gene: PMS2 (PMS1 homolog 2, mismatch repair system component; minus strand). Cytogenetic location: 7p22.1.
Variant type: single nucleotide variant.
Coding change: c.1227A>G on transcript NM_000535.7 (MANE Select); coding-DNA position 1227, A replaced by G.
Protein change: p.Gly409=; no amino-acid change (glycine 409 retained).
Molecular consequence: synonymous variant. On other transcripts: non-coding transcript variant (1), intron variant (1).
Genome position (GRCh38, 1-based): chr7:5,987,538, T>C on the plus strand (A>G on the coding strand, the complement: PMS2 is on the minus strand). VCF-style: chr7-5987538-T-C. GRCh37 (hg19) VCF-style: chr7-6027169-T-C.
Other names: c.822A>G, p.Gly274= (NM_001018040.1, NM_001322003.2, NM_001322004.2 and 17 more transcripts); c.1071A>G, p.Gly357= (NM_001322006.2, NM_001406870.1); c.909A>G, p.Gly303= (NM_001322007.2, NM_001322008.2, NM_001406876.1 and 2 more transcripts); c.666A>G, p.Gly222= (NM_001322010.2, NM_001406906.1, NM_001406907.1); c.294A>G, p.Gly98= (NM_001322011.2, NM_001322012.2); c.654A>G, p.Gly218= (NM_001322013.2, NM_001406909.1); c.1227A>G, p.Gly409= (NM_001322014.2, NM_001406871.1, NM_001406872.1); c.918A>G, p.Gly306= (NM_001322015.2, NM_001406875.1, NM_001406877.1 and 5 more transcripts); and 13 more.
Identifiers: ClinVar variation 1754454 (VCV001754454.3), dbSNP rs2535830866, ClinGen allele CA453748437.